The following is an entry in ClinVar:

ClinVar aggregate classification (germline): Uncertain significance (1 of 4 stars; one submission).

Conditions:
Inborn genetic diseases. Identifiers: MedGen C0950123, MeSH D030342.

Allele frequency attached by ClinVar (database versions not stated): ExAC 0.00001.
gnomAD v4.1: 4 of 1,613,980 alleles (0.00025%); highest among the groups gnomAD compares: Admixed American, 0.0067%; no homozygotes.

Submission:

Ambry Genetics
Classification: Uncertain significance for Inborn genetic diseases. Last evaluated: 2023-09-13. Review status: criteria provided, single submitter. Criteria: Ambry Variant Classification Scheme 2023. Collection method: clinical testing. Allele origin: germline.
Comment: The p.E716Q variant (also known as c.2146G>C), located in coding exon 13 of the EPAS1 gene, results from a G to C substitution at nucleotide position 2146. The glutamic acid at codon 716 is replaced by glutamine, an amino acid with highly similar properties. This amino acid position is conserved. In addition, this alteration is predicted to be tolerated by in silico analysis. Since supporting evidence is limited at this time, the clinical significance of this alteration remains unclear.

NM_001430.5(EPAS1):c.2146G>C (p.Glu716Gln)

Gene: EPAS1 (endothelial PAS domain protein 1; plus strand). Cytogenetic location: 2p21.
Variant type: single nucleotide variant.
Coding change: c.2146G>C on transcript NM_001430.5 (MANE Select); coding-DNA position 2146, G replaced by C.
Protein change: p.Glu716Gln; replaces glutamic acid 716 with glutamine.
Molecular consequence: missense variant.
Genome position (GRCh38, 1-based): chr2:46,381,696, G>C. VCF-style: chr2-46381696-G-C. GRCh37 (hg19) VCF-style: chr2-46608835-G-C.
Other names: short protein forms E716Q.
Identifiers: ClinVar variation 2588714 (VCV002588714.2), dbSNP rs767423905, ClinGen allele CA1645229.